The following is an entry in ClinVar:

ClinVar aggregate classification (germline): Conflicting classifications of pathogenicity. Review status: criteria provided, conflicting classifications (1 of 4 stars). 6 submissions from 6 submitters: Uncertain significance (3); Benign (1); Likely benign (2). Last evaluated 2026-01-27.

Conditions:
Mitochondrial complex I deficiency, nuclear type 1. Also called: NADH-COENZYME Q REDUCTASE DEFICIENCY; MITOCHONDRIAL NADH DEHYDROGENASE COMPONENT OF COMPLEX I, DEFICIENCY OF. Identifiers: MedGen C6022305, MONDO:0100224, OMIM 252010.
NDUFS2-related disorder. Also called: NDUFS2-related condition.

Allele frequency attached by ClinVar (database versions not stated): TOPMed 0.00073; gnomAD 0.00074 and 0.00081; ESP Exome Variant Server 0.00123; 1000 Genomes Project 30x 0.00125; 1000 Genomes Project 0.00140; gnomAD exomes 0.00008 and 0.00027; ExAC 0.00040.
gnomAD v4.1: 252 of 1,614,100 alleles (0.016%); highest among the groups gnomAD compares: African/African-American, 0.24%; 1 homozygote.

Submissions (6):

Labcorp Genetics (formerly Invitae), Labcorp
Classification: Likely benign. Last evaluated: 2026-01-27. Review status: criteria provided, single submitter. Criteria: Invitae Variant Classification Sherloc (09022015). Collection method: clinical testing. Allele origin: germline.

PreventionGenetics, part of Exact Sciences
Classification: Benign for NDUFS2-related condition. Last evaluated: 2024-10-17. Review status: criteria provided, single submitter. Criteria: ACMG Guidelines, 2015. Collection method: clinical testing. Allele origin: germline.
Comment: This variant is classified as benign based on ACMG/AMP sequence variant interpretation guidelines (Richards et al. 2015 PMID: 25741868, with internal and published modifications).

GeneDx
Classification: Uncertain significance. Last evaluated: 2024-10-11. Review status: criteria provided, single submitter. Criteria: GeneDx Variant Classification Process June 2021. Collection method: clinical testing. Allele origin: germline. Affected: yes.
Comment: In silico analysis supports that this missense variant has a deleterious effect on protein structure/function; Has not been previously published as pathogenic or benign to our knowledge

Revvity Omics, Revvity
Classification: Uncertain significance. Last evaluated: 2022-01-01. Review status: criteria provided, single submitter. Criteria: ACMG Guidelines, 2015. Collection method: clinical testing. Allele origin: germline.

Illumina Laboratory Services, Illumina
Classification: Uncertain significance for Mitochondrial complex I deficiency, nuclear type 1. Last evaluated: 2018-01-13. Review status: criteria provided, single submitter. Criteria: ICSL Variant Classification Criteria 13 December 2019. Collection method: clinical testing. Allele origin: germline.

Eurofins Ntd Llc (ga)
Classification: Likely benign. Last evaluated: 2017-07-20. Review status: criteria provided, single submitter. Criteria: EGL Classification Definitions 2015. Collection method: clinical testing. Allele origin: germline. Observed: 1 variant allele, 1 heterozygote.

NM_001377299.1(NDUFS2):c.959T>C (p.Val320Ala)

Gene: NDUFS2 (NADH:ubiquinone oxidoreductase core subunit S2; plus strand). Cytogenetic location: 1q23.3.
Variant type: single nucleotide variant.
Coding change: c.959T>C on transcript NM_001377299.1 (MANE Select); coding-DNA position 959, T replaced by C.
Protein change: p.Val320Ala; replaces valine 320 with alanine.
Molecular consequence: missense variant. On other transcripts: non-coding transcript variant (1).
Genome position (GRCh38, 1-based): chr1:161,210,683, T>C. VCF-style: chr1-161210683-T-C. GRCh37 (hg19) VCF-style: chr1-161180473-T-C.
Other names: p.V320A:GTT>GCT; c.959T>C, p.Val320Ala (NM_001166159.2, NM_001377298.1, NM_001377300.1 and 3 more transcripts); short protein forms V320A.
Identifiers: ClinVar variation 214794 (VCV000214794.26), dbSNP rs144937332, ClinGen allele CA325447.